The following is an entry in ClinVar:

NM_024675.4(PALB2):c.3411del (p.Ile1137fs)

Gene: PALB2 (partner and localizer of BRCA2; minus strand). Cytogenetic location: 16p12.2.
Variant type: Deletion.
Coding change: c.3411del on transcript NM_024675.4 (MANE Select); coding-DNA position 3411, one base deleted (T; older notation c.3411delT).
Protein change: p.Ile1137fs; shifts the reading frame from isoleucine 1137.
Molecular consequence: frameshift variant. On other transcripts: 3 prime UTR variant (5).
Genome position (GRCh38, 1-based): chr16:23,603,609, A deleted on the plus strand (T on the coding strand, the reverse complement: PALB2 is on the minus strand); the first of 2 consecutive A bases (chr16:23,603,609-23,603,610); deleting either gives the same sequence. VCF-style (leftmost placement, unchanged base first): chr16-23603608-CA-C. GRCh37 (hg19) VCF-style: chr16-23614929-CA-C.
Other names: c.3351del, p.Ile1117fs (NM_001407296.1); c.3339del, p.Ile1113fs (NM_001407297.1); c.3249del, p.Ile1083fs (NM_001407298.1); c.3174del, p.Ile1058fs (NM_001407299.1); c.3132del, p.Ile1044fs (NM_001407300.1); c.*46del (NM_001407301.1, NM_001407302.1, NM_001407310.1 and 2 more transcripts); c.2526del, p.Ile842fs (NM_001407304.1, NM_001407305.1, NM_001407306.1); c.2364del, p.Ile788fs (NM_001407307.1); and 3 more; short protein forms I1044fs, I1058fs, I1083fs, I1113fs, I1117fs, I1137fs, I315fs, I541fs.
Identifiers: ClinVar variation 2674078 (VCV002674078.1), dbSNP rs2506197229, ClinGen allele CA2695197582.

ClinVar aggregate classification (germline): Pathogenic (1 of 4 stars; one submission).

Conditions:
Familial cancer of breast. Also called: Hereditary breast cancer; BREAST CANCER, FAMILIAL; hereditary breast carcinoma. Identifiers: Orphanet 227535, MedGen C0346153, MONDO:0016419, OMIM 114480. Disease mechanism: loss of function.

Submission:

Myriad Genetics, Inc.
Classification: Pathogenic for Familial cancer of breast. Last evaluated: 2023-09-15. Review status: criteria provided, single submitter. Criteria: Myriad Autosomal Dominant, Autosomal Recessive and X-Linked Classification Criteria (2023). Collection method: clinical testing. Allele origin: unknown.
Comment: This variant is considered pathogenic. This variant creates a frameshift predicted to result in premature protein truncation.